The following is an entry in ClinVar:

NM_153676.4(USH1C):c.669C>A (p.Gly223=)

Gene: USH1C (USH1 protein network component harmonin; minus strand). Cytogenetic location: 11p15.1.
Variant type: single nucleotide variant.
Coding change: c.669C>A on transcript NM_153676.4 (MANE Select); coding-DNA position 669, C replaced by A.
Protein change: p.Gly223=; no amino-acid change (glycine 223 retained).
Molecular consequence: synonymous variant. On other transcripts: non-coding transcript variant (1).
Genome position (GRCh38, 1-based): chr11:17,526,352, G>T on the plus strand (C>A on the coding strand, the complement: USH1C is on the minus strand). VCF-style: chr11-17526352-G-T. GRCh37 (hg19) VCF-style: chr11-17547899-G-T.
Other names: c.669C>A (NM_153676.3); c.669C>A, p.Gly223= (NM_001297764.2, NM_005709.4).
Identifiers: ClinVar variation 500591 (VCV000500591.26), dbSNP rs144761543, ClinGen allele CA5904929.

ClinVar aggregate classification (germline): Conflicting classifications of pathogenicity. Review status: criteria provided, conflicting classifications (1 of 4 stars). 7 submissions from 7 submitters: Uncertain significance (2); Likely benign (3). 2 of the submissions do not count toward it. Last evaluated 2026-01-28.

Conditions:
USH1C-related disorder. Also called: USH1C-related condition.
Usher syndrome type 1C. Also called: USHER SYNDROME, TYPE I, ACADIAN VARIETY. Identifiers: Orphanet 231169, Orphanet 886, MedGen C1848604, MONDO:0010171, OMIM 276904.

Allele frequency attached by ClinVar (database versions not stated): ExAC 0.00013; gnomAD exomes 0.00014; 1000 Genomes Project 0.00040; gnomAD 0.00060 and 0.00064; 1000 Genomes Project 30x 0.00062; TOPMed 0.00070; ESP Exome Variant Server 0.00085.

Submissions (7):

Labcorp Genetics (formerly Invitae), Labcorp
Classification: Likely benign. Last evaluated: 2026-01-28. Review status: criteria provided, single submitter. Criteria: Invitae Variant Classification Sherloc (09022015). Collection method: clinical testing. Allele origin: germline.

Blueprint Genetics
Classification: Likely benign. Last evaluated: 2023-10-02. Review status: criteria provided, single submitter. Criteria: ACMG Guidelines, 2015. Collection method: clinical testing. Allele origin: germline.

GeneDx
Classification: Likely benign. Last evaluated: 2018-08-17. Review status: criteria provided, single submitter. Criteria: GeneDx Variant Classification Process June 2021. Collection method: clinical testing. Allele origin: germline. Affected: yes.

Illumina Laboratory Services, Illumina
Classification: Uncertain significance for Usher syndrome type 1C. Last evaluated: 2018-01-13. Review status: criteria provided, single submitter. Criteria: ICSL Variant Classification Criteria 13 December 2019. Collection method: clinical testing. Allele origin: germline.

Eurofins Ntd Llc (ga)
Classification: Uncertain significance. Last evaluated: 2017-02-24. Review status: criteria provided, single submitter. Criteria: EGL Classification Definitions 2015. Collection method: clinical testing. Allele origin: germline. Observed: 1 variant allele, 1 heterozygote.

PreventionGenetics, part of Exact Sciences
Classification: Likely benign for USH1C-related condition. Last evaluated: 2024-09-05. Review status: no assertion criteria provided. Collection method: clinical testing. Allele origin: germline. Not counted in ClinVar's aggregate classification.
Comment: This variant is classified as likely benign based on ACMG/AMP sequence variant interpretation guidelines (Richards et al. 2015 PMID: 25741868, with internal and published modifications).

Natera, Inc.
Classification: Uncertain significance for Usher syndrome type 1C. Last evaluated: 2020-04-11. Review status: no assertion criteria provided. Collection method: clinical testing. Allele origin: germline. Not counted in ClinVar's aggregate classification.